The following is an entry in ClinVar:

NM_021738.3(SVIL):c.5635+3A>C

Genes: SVIL (supervillin; minus strand), SVIL-AS1 (SVIL antisense RNA 1; plus strand). Cytogenetic location: 10p11.23.
Variant type: single nucleotide variant.
Coding change: c.5635+3A>C on transcript NM_021738.3 (MANE Select); 3 bases into the intron after coding-DNA position 5635, A replaced by C.
Molecular consequence: intron variant.
Genome position (GRCh38, 1-based): chr10:29,471,135, T>G on the plus strand (A>C on the coding strand, the complement: SVIL is on the minus strand). VCF-style: chr10-29471135-T-G. GRCh37 (hg19) VCF-style: chr10-29760064-T-G.
Other names: c.4705+3A>C (NM_001323599.2); c.4453+3A>C (NM_001323600.1); c.4357+3A>C (NM_003174.3).
Identifiers: ClinVar variation 4891243 (VCV004891243.1).
Genomic context (GRCh38, chr10:29,471,135, plus strand): 5'-TATAAAAATTCTTTCCAAGAGAGGGAAAGGCAAAGTCGAATTCCAGCAGTAAAAGTGACT[T>G]ACTTTGCACATTTTCTTCTTCCTCTTCCCGCCTCCCCGAGTGCACCACCATCCCCCCCTG-3'

ClinVar aggregate classification (germline): Likely pathogenic (1 of 4 stars; one submission).

Conditions:
Myofibrillar myopathy 10. Identifiers: MedGen C5436656, MONDO:0033620, OMIM 619040.

gnomAD v4.1: 1 of 1,612,578 alleles (0.000062%); highest among the groups gnomAD compares: Non-Finnish European, 0.000085%; no homozygotes.

Submission:

Clinical Genetics Laboratory, University Hospital Schleswig-Holstein
Classification: Likely pathogenic for Myofibrillar myopathy 10. Last evaluated: 2025-10-07. Review status: criteria provided, single submitter. Criteria: ACMG Guidelines, 2015. Collection method: clinical testing. Allele origin: paternal. Affected: yes. Observed: 1 compound heterozygote.
Comment: ACMG criteria applied: PM2, PM3, PP3, PP4_Supporting